The following is an entry in ClinVar:

ClinVar aggregate classification (germline): Uncertain significance (1 of 4 stars; one submission).

gnomAD v4.1: 2 of 1,608,530 alleles (0.00012%); highest among the groups gnomAD compares: Non-Finnish European, 0.00017%; no homozygotes.

Submission:

Ambry Genetics
Classification: Uncertain significance. Last evaluated: 2024-07-26. Review status: criteria provided, single submitter. Criteria: Ambry Variant Classification Scheme 2023. Collection method: clinical testing. Allele origin: germline.
Comment: The p.D1888N variant (also known as c.5662G>A), located in coding exon 17 of the POLQ gene, results from a G to A substitution at nucleotide position 5662. The aspartic acid at codon 1888 is replaced by asparagine, an amino acid with highly similar properties. This amino acid position is conserved. In addition, this alteration is predicted to be tolerated by in silico analysis. Based on the available evidence, the clinical significance of this variant remains unclear.

NM_199420.4(POLQ):c.5662G>A (p.Asp1888Asn)

Gene: POLQ (DNA polymerase theta; minus strand). Cytogenetic location: 3q13.33.
Variant type: single nucleotide variant.
Coding change: c.5662G>A on transcript NM_199420.4 (MANE Select); coding-DNA position 5662, G replaced by A.
Protein change: p.Asp1888Asn; replaces aspartic acid 1888 with asparagine.
Molecular consequence: missense variant.
Genome position (GRCh38, 1-based): chr3:121,485,152, C>T on the plus strand (G>A on the coding strand, the complement: POLQ is on the minus strand). VCF-style: chr3-121485152-C-T. GRCh37 (hg19) VCF-style: chr3-121203999-C-T.
Other names: short protein forms D1888N.
Identifiers: ClinVar variation 3422472 (VCV003422472.1).